The following is an entry in ClinVar:

ClinVar aggregate classification (germline): Pathogenic. Review status: criteria provided, multiple submitters, no conflicts (2 of 4 stars). 3 submissions from 3 submitters: Pathogenic (3). Last evaluated 2024-05-27.

Conditions:
Retinal dystrophy. Also called: Inherited retinal dystrophy. Identifiers: Orphanet 71862, MedGen C0854723, MeSH D058499, MONDO:0019118, HP:0000556.
PDE6B-related disorder. Also called: PDE6B-related disorders; PDE6B-related disease; PDE6B-related condition.

Submissions (3):

Ophthalmic Genetics Group, Institute of Molecular and Clinical Ophthalmology Basel
Classification: Pathogenic for Retinal dystrophy. Last evaluated: 2024-05-27. Review status: criteria provided, single submitter. Criteria: ACMG Guidelines, 2015. Collection method: research. Allele origin: germline. Affected: yes. Observed: 2 variant alleles.
Comment: This variant was classified as Pathogenic based on ACMG criteria: PVS1_very strong, PM2_mod, PM3_mod and PP1_strong

Blueprint Genetics
Classification: Pathogenic for PDE6B-related disorders. Last evaluated: 2023-08-04. Review status: criteria provided, single submitter. Criteria: ACMG Guidelines, 2015. Collection method: clinical testing. Allele origin: germline. Affected: yes. Observed: 4 variant alleles.

Labcorp Genetics (formerly Invitae), Labcorp
Classification: Pathogenic. Last evaluated: 2023-07-25. Review status: criteria provided, single submitter. Criteria: Invitae Variant Classification Sherloc (09022015). Collection method: clinical testing. Allele origin: germline.
Comment: For these reasons, this variant has been classified as Pathogenic. This premature translational stop signal has been observed in individual(s) with autosomal recessive retinitis pigmentosa (PMID: 31877759). This variant is not present in population databases (gnomAD no frequency). This sequence change creates a premature translational stop signal (p.Ala143Leufs*7) in the PDE6B gene. It is expected to result in an absent or disrupted protein product. Loss-of-function variants in PDE6B are known to be pathogenic (PMID: 8394174, 8595886, 22334370).

Literature cited by the submitters: PubMed 31877759 (cited by Ophthalmic Genetics Group, Institute of Molecular and Clinical Ophthalmology Basel and Labcorp Genetics (formerly Invitae), Labcorp); PubMed 22334370 (cited by Ophthalmic Genetics Group, Institute of Molecular and Clinical Ophthalmology Basel and Labcorp Genetics (formerly Invitae), Labcorp); PubMed 40180963 (cited by Ophthalmic Genetics Group, Institute of Molecular and Clinical Ophthalmology Basel); PubMed 8394174 (cited by Labcorp Genetics (formerly Invitae), Labcorp); PubMed 8595886 (cited by Labcorp Genetics (formerly Invitae), Labcorp).

NM_000283.4(PDE6B):c.427del (p.Ala143fs)

Gene: PDE6B (phosphodiesterase 6B; plus strand). Cytogenetic location: 4p16.3.
Variant type: Deletion.
Coding change: c.427del on transcript NM_000283.4 (MANE Select); coding-DNA position 427, one base deleted (G; older notation c.427delG).
Protein change: p.Ala143fs; shifts the reading frame from alanine 143.
Molecular consequence: frameshift variant.
Genome position (GRCh38, 1-based): chr4:626,053, G deleted; the last of 2 consecutive G bases (chr4:626,052-626,053); deleting either gives the same sequence. VCF-style (leftmost placement, unchanged base first): chr4-626051-TG-T. GRCh37 (hg19) VCF-style: chr4-619840-TG-T.
Other names: NC_000004.11:g.619842del; NP_000274.2:p.(Ala143LeufsTer7); c.427del, p.Ala143fs (NM_001145291.2); short protein forms A143fs.
Identifiers: ClinVar variation 2968793 (VCV002968793.6), dbSNP rs2474075421, ClinGen allele CA2586973548.
Genomic context (GRCh38, chr4:626,051, plus strand): 5'-GCCTGGTGCCCCCCGACTCCGAGATCGTCTTCCCACTGGACATCGGGGTCGTGGGCCACG[TG>T]GCTCAGACCAAAAAGATGGTGAACGTCGAGGACGTGGCCGAGGTGGGTCTGTGCGGAGCC-3'